The following is an entry in ClinVar:

ClinVar aggregate classification (germline): Conflicting classifications of pathogenicity. Review status: criteria provided, conflicting classifications (1 of 4 stars). 3 submissions from 3 submitters: Uncertain significance (1); Likely benign (1). 1 of the submissions does not count toward it. Last evaluated 2025-06-12.

Conditions:
RAB3GAP2-related disorder. Also called: RAB3GAP2-related condition; RAB3GAP2-related disorders.
Martsolf syndrome (MARTS). Also called: Congenital cataract with intellectual disability and hypogonadotropic hypogonadism syndrome. Identifiers: Orphanet 1387, MedGen C0796037, MONDO:0023910.
Warburg micro syndrome 2 (WARBM2). Also called: MICRO SYNDROME 2. Identifiers: Orphanet 2510, MedGen C3280214, MONDO:0013641, OMIM 614225.

Allele frequency attached by ClinVar (database versions not stated): gnomAD 0.00006; gnomAD exomes 0.00006 and 0.00024; 1000 Genomes Project 30x 0.00016; TOPMed 0.00016; 1000 Genomes Project 0.00020; ExAC 0.00029.
gnomAD v4.1: 88 of 1,613,888 alleles (0.0055%); highest among the groups gnomAD compares: Admixed American, 0.11%; no homozygotes.

Submissions (3):

Labcorp Genetics (formerly Invitae), Labcorp
Classification: Likely benign for Martsolf syndrome; Warburg micro syndrome 2. Last evaluated: 2025-06-12. Review status: criteria provided, single submitter. Criteria: Invitae Variant Classification Sherloc (09022015). Collection method: clinical testing. Allele origin: germline.

GeneDx
Classification: Uncertain significance. Last evaluated: 2023-06-12. Review status: criteria provided, single submitter. Criteria: GeneDx Variant Classification Process June 2021. Collection method: clinical testing. Allele origin: germline. Affected: yes.
Comment: In silico analysis supports that this missense variant has a deleterious effect on protein structure/function; Has not been previously published as pathogenic or benign to our knowledge

PreventionGenetics, part of Exact Sciences
Classification: Likely benign for RAB3GAP2-related condition. Last evaluated: 2022-04-06. Review status: no assertion criteria provided. Collection method: clinical testing. Allele origin: germline. Not counted in ClinVar's aggregate classification.
Comment: This variant is classified as likely benign based on ACMG/AMP sequence variant interpretation guidelines (Richards et al. 2015 PMID: 25741868, with internal and published modifications).

NM_012414.4(RAB3GAP2):c.2282C>T (p.Ser761Leu)

Gene: RAB3GAP2 (RAB3 GTPase activating non-catalytic protein subunit 2; minus strand). Cytogenetic location: 1q41.
Variant type: single nucleotide variant.
Coding change: c.2282C>T on transcript NM_012414.4 (MANE Select); coding-DNA position 2282, C replaced by T.
Protein change: p.Ser761Leu; replaces serine 761 with leucine.
Molecular consequence: missense variant.
Genome position (GRCh38, 1-based): chr1:220,182,285, G>A on the plus strand (C>T on the coding strand, the complement: RAB3GAP2 is on the minus strand). VCF-style: chr1-220182285-G-A. GRCh37 (hg19) VCF-style: chr1-220355627-G-A.
Other names: short protein forms S761L.
Identifiers: ClinVar variation 1254758 (VCV001254758.12), dbSNP rs562096116, ClinGen allele CA1402472.